The following is an entry in ClinVar:

NM_000051.4(ATM):c.2376+10T>C

Gene: ATM (ATM serine/threonine kinase; plus strand). Cytogenetic location: 11q22.3.
Variant type: single nucleotide variant.
Coding change: c.2376+10T>C on transcript NM_000051.4 (MANE Select); 10 bases into the intron after coding-DNA position 2376, T replaced by C.
Molecular consequence: intron variant.
Genome position (GRCh38, 1-based): chr11:108,257,616, T>C. VCF-style: chr11-108257616-T-C. GRCh37 (hg19) VCF-style: chr11-108128343-T-C.
Other names: c.2376+10T>C (NM_001351834.2).
Identifiers: ClinVar variation 3253944 (VCV003253944.1), dbSNP rs1310452966.

ClinVar aggregate classification (germline): Likely benign (1 of 4 stars; one submission).

Conditions:
Familial cancer of breast. Also called: BREAST CANCER, FAMILIAL; Hereditary breast cancer; hereditary breast carcinoma. Identifiers: Orphanet 227535, MedGen C0346153, MONDO:0016419, OMIM 114480. Disease mechanism: loss of function.

Allele frequency attached by ClinVar (database versions not stated): TOPMed below 0.00001.

Submission:

Myriad Genetics, Inc.
Classification: Likely benign for Familial cancer of breast. Last evaluated: 2024-05-08. Review status: criteria provided, single submitter. Criteria: Myriad Autosomal Dominant, Autosomal Recessive and X-Linked Classification Criteria (2023). Collection method: clinical testing. Allele origin: unknown.
Comment: This variant is considered likely benign. This variant is intronic and is not expected to impact mRNA splicing.